The following is an entry in ClinVar:

NM_147127.5(EVC2):c.3007G>A (p.Glu1003Lys)

Gene: EVC2 (EvC ciliary complex subunit 2; minus strand). Cytogenetic location: 4p16.2.
Variant type: single nucleotide variant.
Coding change: c.3007G>A on transcript NM_147127.5 (MANE Select); coding-DNA position 3007, G replaced by A.
Protein change: p.Glu1003Lys; replaces glutamic acid 1003 with lysine.
Molecular consequence: missense variant.
Genome position (GRCh38, 1-based): chr4:5,584,673, C>T on the plus strand (G>A on the coding strand, the complement: EVC2 is on the minus strand). VCF-style: chr4-5584673-C-T. GRCh37 (hg19) VCF-style: chr4-5586400-C-T.
Other names: c.2767G>A, p.Glu923Lys (NM_001166136.2); short protein forms E923K, E1003K.
Identifiers: ClinVar variation 772044 (VCV000772044.18), dbSNP rs555666020, ClinGen allele CA2834491.

ClinVar aggregate classification (germline): Likely benign. Review status: criteria provided, multiple submitters, no conflicts (2 of 4 stars). 4 submissions from 4 submitters: Likely benign (3). 1 of the submissions does not count toward it. Last evaluated 2026-02-01.

Conditions:
EVC2-related disorder. Also called: EVC2-related condition.
Ellis-van Creveld syndrome (EVC). Also called: EVC-Related Ellis-van Creveld Syndrome; EVC2-Related Ellis-van Creveld Syndrome; Chondroectodermal dysplasia; MESOECTODERMAL DYSPLASIA. Identifiers: Orphanet 289, MedGen C0013903, MONDO:0009162, OMIM 225500.
Curry-Hall syndrome (WAD). Also called: WEYERS ACRODENTAL DYSOSTOSIS. Identifiers: Orphanet 952, MedGen C0457013, MONDO:0008673, OMIM 193530.

Allele frequency attached by ClinVar (database versions not stated): gnomAD 0.00021 and 0.00001; gnomAD exomes 0.00027 and 0.00060; ExAC 0.00065; 1000 Genomes Project 30x 0.00125; 1000 Genomes Project 0.00140; TOPMed 0.00002.
gnomAD v4.1: 418 of 1,614,072 alleles (0.026%); highest among the groups gnomAD compares: South Asian, 0.44%; no homozygotes.

Submissions (4):

Labcorp Genetics (formerly Invitae), Labcorp
Classification: Likely benign for Curry-Hall syndrome; Ellis-van Creveld syndrome. Last evaluated: 2026-02-01. Review status: criteria provided, single submitter. Criteria: Invitae Variant Classification Sherloc (09022015). Collection method: clinical testing. Allele origin: germline.

Fulgent Genetics
Classification: Likely benign for Curry-Hall syndrome; Ellis-van Creveld syndrome. Last evaluated: 2021-07-24. Review status: criteria provided, single submitter. Criteria: ACMG Guidelines, 2015. Collection method: clinical testing. Allele origin: unknown.

Illumina Laboratory Services, Illumina
Classification: Likely benign for Ellis-van Creveld syndrome. Last evaluated: 2018-01-13. Review status: criteria provided, single submitter. Criteria: ICSL Variant Classification Criteria 13 December 2019. Collection method: clinical testing. Allele origin: germline.
Comment: This variant was observed in the ICSL laboratory as part of a predisposition screen in an ostensibly healthy population. It had not been previously curated by ICSL or reported in the Human Gene Mutation Database (HGMD: prior to June 1st, 2018), and was therefore a candidate for classification through an automated scoring system. Utilizing variant allele frequency, disease prevalence and penetrance estimates, and inheritance mode, an automated score was calculated to assess if this variant is too frequent to cause the disease. Based on the score and internal cut-off values, a variant classified as likely benign is not then subjected to further curation. The score for this variant resulted in a classification of likely benign for this disease.

PreventionGenetics, part of Exact Sciences
Classification: Likely benign for EVC2-related condition. Last evaluated: 2022-04-12. Review status: no assertion criteria provided. Collection method: clinical testing. Allele origin: germline. Not counted in ClinVar's aggregate classification.
Comment: This variant is classified as likely benign based on ACMG/AMP sequence variant interpretation guidelines (Richards et al. 2015 PMID: 25741868, with internal and published modifications).